The following is an entry in ClinVar:

NM_001039348.3(EFEMP1):c.415A>G (p.Ile139Val)

Gene: EFEMP1 (EGF-like fibulin extracellular matrix protein 1; minus strand). Cytogenetic location: 2p16.1.
Variant type: single nucleotide variant.
Coding change: c.415A>G on transcript NM_001039348.3 (MANE Select); coding-DNA position 415, A replaced by G.
Protein change: p.Ile139Val; replaces isoleucine 139 with valine.
Molecular consequence: missense variant.
Genome position (GRCh38, 1-based): chr2:55,917,767, T>C on the plus strand (A>G on the coding strand, the complement: EFEMP1 is on the minus strand). VCF-style: chr2-55917767-T-C. GRCh37 (hg19) VCF-style: chr2-56144902-T-C.
Other names: c.415A>G, p.Ile139Val (NM_001039349.3); short protein forms I139V.
Identifiers: ClinVar variation 969484 (VCV000969484.10), dbSNP rs749133035, ClinGen allele CA1668947.

ClinVar aggregate classification (germline): Uncertain significance (1 of 4 stars; one submission).

Allele frequency attached by ClinVar (database versions not stated): gnomAD exomes below 0.00001 and 0.00001; TOPMed 0.00001; ExAC 0.00002.
gnomAD v4.1: 5 of 1,614,156 alleles (0.00031%); highest among the groups gnomAD compares: South Asian, 0.0011%; no homozygotes.

Submission:

Labcorp Genetics (formerly Invitae), Labcorp
Classification: Uncertain significance. Last evaluated: 2023-02-05. Review status: criteria provided, single submitter. Criteria: Invitae Variant Classification Sherloc (09022015). Collection method: clinical testing. Allele origin: germline.
Comment: In summary, the available evidence is currently insufficient to determine the role of this variant in disease. Therefore, it has been classified as a Variant of Uncertain Significance. Algorithms developed to predict the effect of missense changes on protein structure and function (SIFT, PolyPhen-2, Align-GVGD) all suggest that this variant is likely to be tolerated. ClinVar contains an entry for this variant (Variation ID: 969484). This variant has not been reported in the literature in individuals affected with EFEMP1-related conditions. This variant is present in population databases (rs749133035, gnomAD 0.002%). This sequence change replaces isoleucine, which is neutral and non-polar, with valine, which is neutral and non-polar, at codon 139 of the EFEMP1 protein (p.Ile139Val).